The following is an entry in ClinVar:

ClinVar aggregate classification (germline): Uncertain significance. Review status: criteria provided, multiple submitters, no conflicts (2 of 4 stars). 5 submissions from 5 submitters: Uncertain significance (5). Last evaluated 2025-12-20.

Conditions:
Van Maldergem syndrome 2 (VMLDS2). Identifiers: Orphanet 314679, MedGen C3809875, MONDO:0014242, OMIM 615546.
Hennekam lymphangiectasia-lymphedema syndrome 2 (HKLLS2). Identifiers: Orphanet 2136, MedGen C4014939, MONDO:0014454, OMIM 616006.
Inborn genetic diseases. Identifiers: MedGen C0950123, MeSH D030342.

Allele frequency attached by ClinVar (database versions not stated): gnomAD exomes 0.00001 and 0.00002; ExAC 0.00003; ESP Exome Variant Server 0.00008; TOPMed 0.00012; gnomAD 0.00015; 1000 Genomes Project 0.00040; 1000 Genomes Project 30x 0.00047.
gnomAD v4.1: 38 of 1,614,144 alleles (0.0024%); highest among the groups gnomAD compares: African/African-American, 0.051%; no homozygotes.

Submissions (5):

Labcorp Genetics (formerly Invitae), Labcorp
Classification: Uncertain significance. Last evaluated: 2025-12-20. Review status: criteria provided, single submitter. Criteria: Invitae Variant Classification Sherloc (09022015). Collection method: clinical testing. Allele origin: germline.
Comment: This sequence change replaces tyrosine, which is neutral and polar, with cysteine, which is neutral and slightly polar, at codon 3546 of the FAT4 protein (p.Tyr3546Cys). This variant is present in population databases (rs79726583, gnomAD 0.06%). This variant has not been reported in the literature in individuals affected with FAT4-related conditions. ClinVar contains an entry for this variant (Variation ID: 1405083). Invitae Evidence Modeling of protein sequence and biophysical properties (such as structural, functional, and spatial information, amino acid conservation, physicochemical variation, residue mobility, and thermodynamic stability) indicates that this missense variant is expected to disrupt FAT4 protein function with a positive predictive value of 95%. In summary, the available evidence is currently insufficient to determine the role of this variant in disease. Therefore, it has been classified as a Variant of Uncertain Significance.

Fulgent Genetics
Classification: Uncertain significance for Van Maldergem syndrome 2; Hennekam lymphangiectasia-lymphedema syndrome 2. Last evaluated: 2024-05-31. Review status: criteria provided, single submitter. Criteria: ACMG Guidelines, 2015. Collection method: clinical testing. Allele origin: germline.

Ambry Genetics
Classification: Uncertain significance for Inborn genetic diseases. Last evaluated: 2023-06-16. Review status: criteria provided, single submitter. Criteria: Ambry Variant Classification Scheme 2023. Collection method: clinical testing. Allele origin: germline.

Revvity Omics, Revvity
Classification: Uncertain significance. Last evaluated: 2023-05-31. Review status: criteria provided, single submitter. Criteria: ACMG Guidelines, 2015. Collection method: clinical testing. Allele origin: germline.

Center for Genomics, Ann and Robert H. Lurie Children's Hospital of Chicago
Classification: Uncertain significance for Hennekam lymphangiectasia-lymphedema syndrome 2; Van Maldergem syndrome 2. Review status: criteria provided, single submitter. Criteria: ACMG Guidelines, 2015. Collection method: clinical testing. Allele origin: germline.
Comment: FAT4 NM_024582.3 exon 10 p.Tyr3546Cys (c.10637A>G): This variant has not been reported in the literature but is present in 0.05% (23/41438) of African alleles in the Genome Aggregation Database. Evolutionary conservation for this variant is unclear; computational predictive tools suggest that this variant may impact the protein. In summary, data on this variant is insufficient for disease classification. Therefore, the clinical significance of this variant is uncertain

NM_001291303.3(FAT4):c.10643A>G (p.Tyr3548Cys)

Gene: FAT4 (FAT atypical cadherin 4; plus strand). Cytogenetic location: 4q28.1.
Variant type: single nucleotide variant.
Coding change: c.10643A>G on transcript NM_001291303.3 (MANE Select); coding-DNA position 10643, A replaced by G.
Protein change: p.Tyr3548Cys; replaces tyrosine 3548 with cysteine.
Molecular consequence: missense variant.
Genome position (GRCh38, 1-based): chr4:125,451,653, A>G. VCF-style: chr4-125451653-A-G. GRCh37 (hg19) VCF-style: chr4-126372808-A-G.
Other names: c.10637A>G (NM_024582.4, NM_024582.5); c.10643A>G, p.Tyr3548Cys (NM_001291285.3); c.10637A>G, p.Tyr3546Cys (NM_024582.6); short protein forms Y3546C, Y3548C.
Identifiers: ClinVar variation 1405083 (VCV001405083.12), dbSNP rs79726583, ClinGen allele CA3073716.
Genomic context (GRCh38, chr4:125,451,653, plus strand): 5'-TGGTGATGACCCTTCAGTCCACTGACCCTGATCTCCCTCCAAATCAAGGTCCCTTTACTT[A>G]TTACTTGCTGAGCACAGGTCCTGCCACCAGTTATTTCAGTCTGAGCACTGCTGGAGTTCT-3'
Protein context (NP_001278232.1, residues 3538-3558): DLPPNQGPFT[Tyr3548Cys]YLLSTGPATS